The following is an entry in ClinVar:

NM_016038.4(SBDS):c.107T>C (p.Val36Ala)

Gene: SBDS (SBDS ribosome maturation factor; minus strand). Cytogenetic location: 7q11.21.
Variant type: single nucleotide variant.
Coding change: c.107T>C on transcript NM_016038.4 (MANE Select); coding-DNA position 107, T replaced by C.
Protein change: p.Val36Ala; replaces valine 36 with alanine.
Molecular consequence: missense variant.
Genome position (GRCh38, 1-based): chr7:66,995,311, A>G on the plus strand (T>C on the coding strand, the complement: SBDS is on the minus strand). VCF-style: chr7-66995311-A-G. GRCh37 (hg19) VCF-style: chr7-66460298-A-G.
Other names: short protein forms V36A.
Identifiers: ClinVar variation 1337627 (VCV001337627.8), dbSNP rs548436732, ClinGen allele CA4279260.
Genomic context (GRCh38, chr7:66,995,311, plus strand): 5'-TCAGGCCCAGGCCCAGGCCCGAGGGAGGGGGCTACTCACACGCCGCTCCGCCAGCCGACG[A>G]CCTTGTTTTTGTAGCAGGCGATTTCGAAGCGCTTCCCGGCACGCTTCATCCGTACCACGG-3'
Protein context (NP_057122.2, residues 26-46): RFEIACYKNK[Val36Ala]VGWRSGVEKD

ClinVar aggregate classification (germline): Uncertain significance. Review status: criteria provided, multiple submitters, no conflicts (2 of 4 stars). 4 submissions from 4 submitters: Uncertain significance (3). 1 of the submissions does not count toward it. Last evaluated 2025-08-02.

Conditions:
SBDS-related disorder. Also called: SBDS-related condition.

Allele frequency attached by ClinVar (database versions not stated): ExAC 0.00012; gnomAD 0.00013 and 0.00017; gnomAD exomes 0.00015 and 0.00016; 1000 Genomes Project 30x 0.00016; 1000 Genomes Project 0.00020.
gnomAD v4.1: 258 of 1,613,932 alleles (0.016%); highest among the groups gnomAD compares: Admixed American, 0.037%; no homozygotes.

Submissions (4):

GeneDx
Classification: Uncertain significance. Last evaluated: 2025-08-02. Review status: criteria provided, single submitter. Criteria: GeneDx Variant Classification Process June 2021. Collection method: clinical testing. Allele origin: germline. Affected: yes.
Comment: In silico analysis supports that this missense variant has a deleterious effect on protein structure/function; Has not been previously published as pathogenic or benign to our knowledge

Blueprint Genetics
Classification: Uncertain significance. Last evaluated: 2024-09-10. Review status: criteria provided, single submitter. Criteria: ACMG Guidelines, 2015. Collection method: clinical testing. Allele origin: germline.

Genetic Services Laboratory, University of Chicago
Classification: Uncertain significance. Last evaluated: 2020-04-20. Review status: criteria provided, single submitter. Criteria: ACMG Guidelines, 2015. Collection method: clinical testing. Allele origin: germline. Affected: no.
Comment: DNA sequence analysis of the SBDS gene demonstrated a sequence change, c.107T>C, in exon 1 that results in an amino acid change, p.Val36Ala. This sequence change does not appear to have been previously described in patients with SBDS-related disorders and has been described in the gnomAD database with a low population frequency of 0.014% (dbSNP rs548436732). The p.Val36Ala change affects a highly conserved amino acid residue located in a domain of the SBDS protein that is known to be functional. In-silico pathogenicity prediction tools (SIFT, PolyPhen2, Align GVGD, REVEL) provide contradictory results for the p.Val36Ala substitution. Due to these contrasting evidences and the lack of functional studies, the clinical significance of the p.Val36Ala change remains unknown at this time.

PreventionGenetics, part of Exact Sciences
Classification: Uncertain significance for SBDS-related condition. Last evaluated: 2023-12-26. Review status: no assertion criteria provided. Collection method: clinical testing. Allele origin: germline. Not counted in ClinVar's aggregate classification.
Comment: The SBDS c.107T>C variant is predicted to result in the amino acid substitution p.Val36Ala. To our knowledge, this variant has not been reported in the literature. This variant is reported in 0.040% of alleles in individuals of Latino descent in gnomAD. At this time, the clinical significance of this variant is uncertain due to the absence of conclusive functional and genetic evidence.